The following is an entry in ClinVar:

ClinVar aggregate classification (germline): Likely benign. Review status: reviewed by expert panel (3 of 4 stars). 7 submissions from 7 submitters: Likely benign (1). 6 of the submissions do not count toward it. Last evaluated 2025-11-25.

Conditions:
Developmental and epileptic encephalopathy 6B. Also called: Developmental and epileptic encephalopathy 6B, non-Dravet. Identifiers: MedGen C5543353, MONDO:0030268, OMIM 619317.
Generalized epilepsy with febrile seizures plus, type 2 (GEFSP2). Also called: GEFS+, TYPE 2. Identifiers: Orphanet 36387, MedGen C1858673, MONDO:0011461, OMIM 604403.
Severe myoclonic epilepsy in infancy (DRVT). Also called: SEVERE MYOCLONIC EPILEPSY OF INFANCY; DEVELOPMENTAL AND EPILEPTIC ENCEPHALOPATHY 6A; Epileptic encephalopathy, early infantile, 6 (Dravet syndrome); Severe Myoclonic Epilepsy in Infancy (SMEI); Dravet syndrome. Identifiers: Orphanet 33069, MedGen C0751122, MONDO:0100135, OMIM 607208.
Migraine, familial hemiplegic, 3. Identifiers: Orphanet 569, MedGen C1864987, MONDO:0012320, OMIM 609634.
Complex neurodevelopmental disorder. Identifiers: Orphanet 528084, MedGen C5568766, MONDO:0100038.
Early-infantile DEE. Also called: Early infantile epileptic encephalopathy; Ohtahara syndrome; Early infantile epileptic encephalopathy with suppression bursts. Identifiers: Orphanet 1934, MedGen C0393706, MONDO:0800491.

Allele frequency attached by ClinVar (database versions not stated): ExAC 0.00002; ESP Exome Variant Server 0.00008; TOPMed below 0.00001; gnomAD 0.00001.
gnomAD v4.1: 9 of 1,613,756 alleles (0.00056%); highest among the groups gnomAD compares: Middle Eastern, 0.016%; no homozygotes.

Submissions (7):

ClinGen Epilepsy Sodium Channel Variant Curation Expert Panel, Clingen
Classification: Likely benign for Complex neurodevelopmental disorder. Last evaluated: 2025-11-25. Review status: reviewed by expert panel. Criteria: ClinGen EpilepsySCN ACMG Specifications SCN1A V2.0.0. Collection method: curation. Allele origin: germline.
Comment: The NM_001165963.4:c.1498C>T(p.Arg500Trp) variant in SCN1A is a missense variant with a GrpMax filtering allele frequency of 0.0003%, but a European (non-Finnish) MAF of 0.0005% (7/1180010) which meets a defined threshold for criteria application (BS1). The REVEL computational prediction analysis tool produced a score of 0.6 which does not meet a defined threshold for criteria application. The p.Arg500Trp variant has been detected in at least one proband with phenotypic information sufficient for classification of Dravet syndrome and was also identified as de novo; other probands have been identified with this variant, but phenotypic data is insufficient for criteria application (PMID:31054490, external laboratory data). Of note, no scoring criteria was awarded given the MAF identified for this variant. Another missense variant (p.Arg500Gln) in the same codon has been identified, but classification of this variant is insufficient for additional scoring criteria (PMID:29314583. 33895391). In summary, this variant has been classified as Likely Benign for Complex Neurodevelopmental Disorder based on the ACMG/AMP criteria applied, as specified by the Epilepsy Sodium Channel Variant Curation Expert Panel v.2: BS1 Nov. 25, 2026

Labcorp Genetics (formerly Invitae), Labcorp
Classification: Uncertain significance for Early-infantile DEE. Last evaluated: 2024-07-17. Review status: criteria provided, single submitter. Criteria: Invitae Variant Classification Sherloc (09022015). Collection method: clinical testing. Allele origin: germline. Not counted in ClinVar's aggregate classification.
Comment: This sequence change replaces arginine, which is basic and polar, with tryptophan, which is neutral and slightly polar, at codon 500 of the SCN1A protein (p.Arg500Trp). This variant is present in population databases (rs141188608, gnomAD 0.002%). This missense change has been observed in individual(s) with SCN1A-related conditions (PMID: 31054490). In at least one individual the variant was observed to be de novo. ClinVar contains an entry for this variant (Variation ID: 418475). Advanced modeling of protein sequence and biophysical properties (such as structural, functional, and spatial information, amino acid conservation, physicochemical variation, residue mobility, and thermodynamic stability) has been performed at Invitae for this missense variant, however the output from this modeling did not meet the statistical confidence thresholds required to predict the impact of this variant on SCN1A protein function. In summary, the available evidence is currently insufficient to determine the role of this variant in disease. Therefore, it has been classified as a Variant of Uncertain Significance.

Genomic Medicine Center of Excellence, King Faisal Specialist Hospital and Research Centre
Classification: Likely pathogenic for Severe myoclonic epilepsy in infancy. Last evaluated: 2024-03-26. Review status: criteria provided, single submitter. Criteria: ACMG Guidelines, 2015. Collection method: clinical testing. Allele origin: germline. Not counted in ClinVar's aggregate classification.

Baylor Genetics
Classification: Uncertain significance for Generalized epilepsy with febrile seizures plus, type 2. Last evaluated: 2024-01-05. Review status: criteria provided, single submitter. Criteria: ACMG Guidelines, 2015. Collection method: clinical testing. Allele origin: unknown. Not counted in ClinVar's aggregate classification.

Department of Pathology and Laboratory Medicine, Sinai Health System
Classification: Uncertain significance for Generalized epilepsy with febrile seizures plus, type 2; Severe myoclonic epilepsy in infancy; Migraine, familial hemiplegic, 3; Developmental and epileptic encephalopathy 6B. Last evaluated: 2023-02-08. Review status: criteria provided, single submitter. Criteria: ACMG Guidelines, 2015. Collection method: research. Allele origin: germline. Not counted in ClinVar's aggregate classification.

GeneDx
Classification: Likely pathogenic. Last evaluated: 2021-02-02. Review status: criteria provided, single submitter. Criteria: GeneDx Variant Classification Process June 2021. Collection method: clinical testing. Allele origin: germline. Affected: yes. Not counted in ClinVar's aggregate classification.
Comment: Not observed at a significant frequency in large population cohorts (Lek et al., 2016); Missense variants in this gene are often considered pathogenic (Stenson et al., 2014); In silico analysis supports that this missense variant has a deleterious effect on protein structure/function; This substitution is predicted to be within the cytoplasmic loop between the S6 transmembrane segments of the first homologous domain and S1 transmembrane segments of the second homologous domain; This variant is associated with the following publications: (PMID: 31054490)

Solve-RD Consortium
Classification: Likely pathogenic for Developmental and epileptic encephalopathy 6B. Review status: criteria provided, single submitter. Criteria: ACMG Guidelines, 2015. Collection method: provider interpretation. Allele origin: germline. Inheritance: Autosomal recessive inheritance. Affected: yes. Study: Solve-RD DIFT-EpiCARE reanalysis. Not counted in ClinVar's aggregate classification.
Comment: PS4, PM2, PP2

Variant identified during reanalysis of unsolved cases by the Solve-RD project. The Solve-RD project has received funding from the European Union’s Horizon 2020 research and innovation programme under grant agreement No 779257.

Literature cited by the submitters: PubMed 31054490 (cited by Labcorp Genetics (formerly Invitae), Labcorp).

NM_001165963.4(SCN1A):c.1498C>T (p.Arg500Trp)

Gene: SCN1A (sodium voltage-gated channel alpha subunit 1; minus strand). Cytogenetic location: 2q24.3.
Variant type: single nucleotide variant.
Coding change: c.1498C>T on transcript NM_001165963.4 (MANE Select); coding-DNA position 1498, C replaced by T.
Protein change: p.Arg500Trp; replaces arginine 500 with tryptophan.
Molecular consequence: missense variant. On other transcripts: 5 prime UTR variant (1), non-coding transcript variant (1).
Genome position (GRCh38, 1-based): chr2:166,045,207, G>A on the plus strand (C>T on the coding strand, the complement: SCN1A is on the minus strand). VCF-style: chr2-166045207-G-A. GRCh37 (hg19) VCF-style: chr2-166901717-G-A.
Other names: NM_001165963.4(SCN1A):c.1498C>T; p.Arg500Trp; c.1498C>T, p.Arg500Trp (NM_001165964.3, NM_001202435.3, NM_001353948.2 and 7 more transcripts); c.1495C>T, p.Arg499Trp (NM_001353954.2, NM_001353955.2, NM_001353960.2); c.-928C>T (NM_001353961.2); short protein forms R500W, R499W.
Identifiers: ClinVar variation 418475 (VCV000418475.11), dbSNP rs141188608, ClinGen allele CA1943296.